The following is an entry in ClinVar:

ClinVar aggregate classification (germline): Uncertain significance (1 of 4 stars; one submission).

Submission:

GeneDx
Classification: Uncertain significance. Last evaluated: 2025-02-16. Review status: criteria provided, single submitter. Criteria: GeneDx Variant Classification Process June 2021. Collection method: clinical testing. Allele origin: germline. Affected: yes.
Comment: Not observed at significant frequency in large population cohorts (gnomAD); In silico analysis indicates that this missense variant does not alter protein structure/function; Has not been previously published as pathogenic or benign to our knowledge

NM_015466.4(PTPN23):c.2119C>T (p.Leu707Phe)

Gene: PTPN23 (protein tyrosine phosphatase non-receptor type 23; plus strand). Cytogenetic location: 3p21.31.
Variant type: single nucleotide variant.
Coding change: c.2119C>T on transcript NM_015466.4 (MANE Select); coding-DNA position 2119, C replaced by T.
Protein change: p.Leu707Phe; replaces leucine 707 with phenylalanine.
Molecular consequence: missense variant.
Genome position (GRCh38, 1-based): chr3:47,409,824, C>T. VCF-style: chr3-47409824-C-T. GRCh37 (hg19) VCF-style: chr3-47451314-C-T.
Other names: c.1741C>T, p.Leu581Phe (NM_001304482.2); short protein forms L581F, L707F.
Identifiers: ClinVar variation 4075675 (VCV004075675.1).
Genomic context (GRCh38, chr3:47,409,824, plus strand): 5'-GCTGCTCTGCTGGAGCGCACGCAGTCCACCTGCCAGGCCCGCGAGGCTGCCCGCCAGCAG[C>T]TCCTGGACAGGTTTGTGTGGCCCTGGGGCTGTGGTGCGGCTCGGGTCCAGACAGGCTGGG-3'
Protein context (NP_056281.1, residues 697-717): CQAREAARQQ[Leu707Phe]LDRELKKKPP